The following is an entry in ClinVar:

ClinVar aggregate classification (germline): Pathogenic (1 of 4 stars; one submission).

gnomAD v4.1: 1 of 1,576,032 alleles (0.000063%); highest among the groups gnomAD compares: Non-Finnish European, 0.000086%; no homozygotes.

Submission:

GeneDx
Classification: Pathogenic. Last evaluated: 2025-04-21. Review status: criteria provided, single submitter. Criteria: GeneDx Variant Classification Process June 2021. Collection method: clinical testing. Allele origin: germline.
Comment: Nonsense variant predicted to result in protein truncation or nonsense mediated decay in a gene for which loss of function is a known mechanism of disease; Not observed at significant frequency in large population cohorts (gnomAD); Reported using an alternate transcript of the gene; This variant is associated with the following publications: (PMID: 34070668)

NM_021912.5(GABRB3):c.39G>A (p.Trp13Ter)

Gene: GABRB3 (gamma-aminobutyric acid type A receptor subunit beta3; minus strand). Cytogenetic location: 15q12.
Variant type: single nucleotide variant.
Coding change: c.39G>A on transcript NM_021912.5; coding-DNA position 39, G replaced by A.
Protein change: p.Trp13Ter; replaces tryptophan 13 with a stop codon.
Molecular consequence: nonsense.
Genome position (GRCh38, 1-based): chr15:26,773,686, C>T on the plus strand (G>A on the coding strand, the complement: GABRB3 is on the minus strand). VCF-style: chr15-26773686-C-T. GRCh37 (hg19) VCF-style: chr15-27018833-C-T.
Other names: short protein forms W13*.
Identifiers: ClinVar variation 3342557 (VCV003342557.2).
Genomic context (GRCh38, chr15:26,773,686, plus strand): 5'-CGGGAAGCCCCCGCCTCACCTGCGGGGCTCAGAGCCTCGGGTCCCCAGGGTCCAGGAGAG[C>T]CAGATGGGCAGCAGGAGCTCCAGGAGCCCGGAGCACATGGCGCTGTTCCTCCGGCCTAAC-3'